The following is an entry in ClinVar:

ClinVar aggregate classification (germline): Likely pathogenic. Review status: criteria provided, multiple submitters, no conflicts (2 of 4 stars). 2 submissions from 2 submitters: Likely pathogenic (2). Last evaluated 2026-02-17.

Conditions:
Dilated cardiomyopathy 1G (CMD1G). Identifiers: Orphanet 154, MedGen C1858763, MONDO:0011400, OMIM 604145.
Autosomal recessive limb-girdle muscular dystrophy type 2J (LGMDR10). Also called: Limb-girdle muscular dystrophy, type 2J; MUSCULAR DYSTROPHY, LIMB-GIRDLE, AUTOSOMAL RECESSIVE 10. Identifiers: Orphanet 140922, MedGen C1837342, MONDO:0012127, OMIM 608807.

Submissions (2):

GeneDx
Classification: Likely pathogenic. Last evaluated: 2026-02-17. Review status: criteria provided, single submitter. Criteria: GeneDx Variant Classification Process June 2021. Collection method: clinical testing. Allele origin: germline.
Comment: Nonsense variant predicted to result in protein truncation or nonsense mediated decay in a gene for which loss of function is a known mechanism of disease; Located in the A-band, a region of TTN for which truncating variants are significantly associated with autosomal dominant cardiomyopathy and also with autosomal recessive skeletal myopathies (PMID: 22335739, 32778822); Not observed at significant frequency in large population cohorts (gnomAD); Has not been previously published as pathogenic or benign to our knowledge; This variant is associated with the following publications: (PMID: 22335739, 32778822)

Labcorp Genetics (formerly Invitae), Labcorp
Classification: Likely pathogenic for Dilated cardiomyopathy 1G; Autosomal recessive limb-girdle muscular dystrophy type 2J. Last evaluated: 2024-04-23. Review status: criteria provided, single submitter. Criteria: Invitae Variant Classification Sherloc (09022015). Collection method: clinical testing. Allele origin: germline.
Comment: This sequence change creates a premature translational stop signal (p.Ala30898*) in the TTN gene. While this is not anticipated to result in nonsense mediated decay, it is expected to create a truncated TTN protein. This variant is not present in population databases (gnomAD no frequency). This variant has not been reported in the literature in individuals affected with TTN-related conditions. ClinVar contains an entry for this variant (Variation ID: 2098589). This variant is located in the A band of TTN (PMID: 25589632). Truncating variants in this region are significantly overrepresented in patients affected with dilated cardiomyopathy (PMID: 25589632). Truncating variants in this region have also been reported in individuals affected with autosomal recessive centronuclear myopathy (PMID: 23975875). In summary, the currently available evidence indicates that the variant is pathogenic, but additional data are needed to prove that conclusively. Therefore, this variant has been classified as Likely Pathogenic.

Literature cited by the submitters: PubMed 25589632 (cited by Labcorp Genetics (formerly Invitae), Labcorp); PubMed 23975875 (cited by Labcorp Genetics (formerly Invitae), Labcorp).

NM_001267550.2(TTN):c.92688_92691dup (p.Ala30898Ter)

Genes: TTN (titin; minus strand), TTN-AS1 (TTN antisense RNA 1; plus strand). Cytogenetic location: 2q31.2.
Variant type: Duplication.
Coding change: c.92688_92691dup on transcript NM_001267550.2 (MANE Select); coding-DNA positions 92688 to 92691, 4 bases duplicated (TAGT; older notation c.92688_92691dupTAGT).
Protein change: p.Ala30898Ter; replaces alanine 30898 with a stop codon.
Molecular consequence: nonsense.
Genome position (GRCh38, 1-based): chr2:178,548,935-178,548,938, ACTA duplicated on the plus strand (TAGT on the coding strand, the reverse complement: TTN is on the minus strand); duplicating any 4 consecutive bases within chr2:178,548,935-178,548,941 gives the same sequence; the c. name uses the placement nearest the transcript's 3' end. VCF-style (leftmost placement, unchanged base first): chr2-178548934-C-CACTA. GRCh37 (hg19) VCF-style: chr2-179413661-C-CACTA.
Other names: c.87765_87768dup, p.Ala29257Ter (NM_001256850.1); c.65493_65496dup, p.Ala21833Ter (NM_003319.4); c.84984_84987dup, p.Ala28330Ter (NM_133378.4); c.65868_65871dup, p.Ala21958Ter (NM_133432.3); c.66069_66072dup, p.Ala22025Ter (NM_133437.4); c.92688_92691dup (NM_001267550.1); short protein forms A21833*, A30898*, A21958*, A29257*, A22025*, A28330*.
Identifiers: ClinVar variation 2098589 (VCV002098589.5), dbSNP rs2469146883, ClinGen allele CA2580064653.
Genomic context (GRCh38, chr2:178,548,934, plus strand): 5'-CAACTGCTTTAATTGTGCCAGTCACTTCACAGCTGTCGCCTTTTCCAGCACCATTGATAG[C>CACTA]ACTAACTCGGAATTTGTATTCTTCACCTGCTTGTAGATCAGTGACTGTATATCTTGTTTT-3'